The following is an entry in ClinVar:

NM_015559.3(SETBP1):c.540+7475G>A

Gene: SETBP1 (SET binding protein 1; plus strand). Cytogenetic location: 18q12.3.
Variant type: single nucleotide variant.
Coding change: c.540+7475G>A on transcript NM_015559.3 (MANE Select); 7475 bases into the intron after coding-DNA position 540, G replaced by A.
Molecular consequence: intron variant. On other transcripts: 3 prime UTR variant (1).
Genome position (GRCh38, 1-based): chr18:44,876,758, G>A. VCF-style: chr18-44876758-G-A. GRCh37 (hg19) VCF-style: chr18-42456723-G-A.
Other names: c.*5G>A (NM_001130110.2); c.540+7475G>A (NM_001379141.1, NM_001410862.1, NM_001379142.1).
Identifiers: ClinVar variation 3032165 (VCV003032165.2), dbSNP rs142301492, ClinGen allele CA8945445.

ClinVar aggregate classification (germline): Likely benign (0 of 4 stars; one submission).

Conditions:
SETBP1-related disorder. Also called: SETBP1-related condition; SETBP1-related disorders.

Allele frequency attached by ClinVar (database versions not stated): gnomAD 0.00009; ExAC 0.00031; 1000 Genomes Project 30x 0.00078; 1000 Genomes Project 0.00100; TOPMed 0.00008.
gnomAD v4.1: 60 of 1,513,136 alleles (0.004%); highest among the groups gnomAD compares: Middle Eastern, 0.052%; no homozygotes.

Submission:

PreventionGenetics, part of Exact Sciences
Classification: Likely benign for SETBP1-related condition. Last evaluated: 2022-07-11. Review status: no assertion criteria provided. Collection method: clinical testing. Allele origin: germline.
Comment: This variant is classified as likely benign based on ACMG/AMP sequence variant interpretation guidelines (Richards et al. 2015 PMID: 25741868, with internal and published modifications).